The following is an entry in ClinVar:

NM_005562.3(LAMC2):c.825_826insCTGTCTCTTATCATCT (p.Asp276delinsLeuSerLeuIleIleTer)

Gene: LAMC2 (laminin subunit gamma 2; plus strand). Cytogenetic location: 1q25.3.
Variant type: Insertion.
Coding change: c.825_826insCTGTCTCTTATCATCT on transcript NM_005562.3 (MANE Select); coding-DNA positions 825 to 826, CTGTCTCTTATCATCT inserted.
Protein change: p.Asp276delinsLeuSerLeuIleIleTer.
Molecular consequence: nonsense.
Genome position: GRCh38 VCF-style: chr1-183223196-G-GCTGTCTCTTATCATCT. GRCh37 (hg19) VCF-style: chr1-183192331-G-GCTGTCTCTTATCATCT.
Other names: c.825_826insCTGTCTCTTATCATCT, p.Asp276delinsLeuSerLeuIleIleTer (NM_018891.3).
Identifiers: ClinVar variation 1723917 (VCV001723917.2), dbSNP rs2526043438, ClinGen allele CA2580061603.

ClinVar aggregate classification (germline): Likely pathogenic (1 of 4 stars; one submission).

Conditions:
Junctional epidermolysis bullosa gravis of Herlitz. Also called: EPIDERMOLYSIS BULLOSA JUNCTIONALIS, HERLITZ TYPE; EPIDERMOLYSIS BULLOSA, JUNCTIONAL, HERLITZ-PEARSON TYPE; JEB-HERLITZ TYPE; EPIDERMOLYSIS BULLOSA, JUNCTIONAL 1B, SEVERE; Epidermolysis Bullosa Letalis; Herlitz-type junctional epidermolysis bullosa. Identifiers: Orphanet 79404, MedGen C0079683, MONDO:0009182, OMIM 226700.

Submission:

Myriad Genetics, Inc.
Classification: Likely pathogenic for Junctional epidermolysis bullosa gravis of Herlitz. Last evaluated: 2022-01-08. Review status: criteria provided, single submitter. Criteria: Myriad Women's Health Autosomal Recessive and X-Linked Classification Criteria (2021). Collection method: clinical testing. Allele origin: unknown.
Comment: NM_005562.2(LAMC2):c.825_826ins16(D276Lfs*6) is expected to be pathogenic in the context of junctional epidermolysis bullosa, LAMC2-related. This variant is predicted to lead to an abnormal or absent protein product due to the creation of a premature termination codon in LAMC2, a gene where loss-of-function variants are known to be pathogenic. Please note: this variant was assessed in the context of healthy population screening.